The following is an entry in ClinVar:

ClinVar aggregate classification (germline): Uncertain significance. Review status: criteria provided, multiple submitters, no conflicts (2 of 4 stars). 2 submissions from 2 submitters: Uncertain significance (2). Last evaluated 2024-02-08.

Conditions:
Agammaglobulinemia 4, autosomal recessive (AGM4). Also called: B cell linker protein deficiency; AGAMMAGLOBULINEMIA, AUTOSOMAL RECESSIVE, DUE TO BLNK DEFECT. Identifiers: MedGen C3150752, MONDO:0013289, OMIM 613502.

Submissions (2):

Blueprint Genetics
Classification: Uncertain significance. Last evaluated: 2024-02-08. Review status: criteria provided, single submitter. Criteria: ACMG Guidelines, 2015. Collection method: clinical testing. Allele origin: germline.

Labcorp Genetics (formerly Invitae), Labcorp
Classification: Uncertain significance for Agammaglobulinemia 4, autosomal recessive. Last evaluated: 2022-03-14. Review status: criteria provided, single submitter. Criteria: Invitae Variant Classification Sherloc (09022015). Collection method: clinical testing. Allele origin: germline.
Comment: In summary, the available evidence is currently insufficient to determine the role of this variant in disease. Therefore, it has been classified as a Variant of Uncertain Significance. Algorithms developed to predict the effect of missense changes on protein structure and function (SIFT, PolyPhen-2, Align-GVGD) all suggest that this variant is likely to be tolerated. This variant has not been reported in the literature in individuals affected with BLNK-related conditions. This variant is present in population databases (no rsID available, gnomAD 0.0009%). This sequence change replaces alanine, which is neutral and non-polar, with serine, which is neutral and polar, at codon 88 of the BLNK protein (p.Ala88Ser).

NM_013314.4(BLNK):c.262G>T (p.Ala88Ser)

Gene: BLNK (B cell linker; minus strand). Cytogenetic location: 10q24.1.
Variant type: single nucleotide variant.
Coding change: c.262G>T on transcript NM_013314.4 (MANE Select); coding-DNA position 262, G replaced by T.
Protein change: p.Ala88Ser; replaces alanine 88 with serine.
Molecular consequence: missense variant. On other transcripts: non-coding transcript variant (4).
Genome position (GRCh38, 1-based): chr10:96,227,509, C>A on the plus strand (G>T on the coding strand, the complement: BLNK is on the minus strand). VCF-style: chr10-96227509-C-A. GRCh37 (hg19) VCF-style: chr10-97987265-C-A.
Other names: c.262G>T, p.Ala88Ser (NM_001114094.2, NM_001258440.2, NM_001258441.2 and 1 more transcripts); short protein forms A88S.
Identifiers: ClinVar variation 1924652 (VCV001924652.4), dbSNP rs144903484, ClinGen allele CA377725668.